The following is an entry in ClinVar:

NM_001040108.2(MLH3):c.1925T>C (p.Phe642Ser)

Gene: MLH3 (mutL homolog 3; minus strand). Cytogenetic location: 14q24.3.
Variant type: single nucleotide variant.
Coding change: c.1925T>C on transcript NM_001040108.2 (MANE Select); coding-DNA position 1925, T replaced by C.
Protein change: p.Phe642Ser; replaces phenylalanine 642 with serine.
Molecular consequence: missense variant.
Genome position (GRCh38, 1-based): chr14:75,047,731, A>G on the plus strand (T>C on the coding strand, the complement: MLH3 is on the minus strand). VCF-style: chr14-75047731-A-G. GRCh37 (hg19) VCF-style: chr14-75514434-A-G.
Other names: c.1925T>C, p.Phe642Ser (NM_014381.3); short protein forms F642S.
Identifiers: ClinVar variation 410894 (VCV000410894.15), dbSNP rs777245092, ClinGen allele CA7275793.

ClinVar aggregate classification (germline): Uncertain significance. Review status: criteria provided, multiple submitters, no conflicts (2 of 4 stars). 3 submissions from 3 submitters: Uncertain significance (3). Last evaluated 2025-10-11.

Conditions:
Colorectal cancer, hereditary nonpolyposis, type 7. Identifiers: Orphanet 144, MedGen C1858380, MONDO:0013725, OMIM 614385.

Allele frequency attached by ClinVar (database versions not stated): gnomAD 0.00004 and 0.00003; gnomAD exomes 0.00002; TOPMed 0.00002; ExAC 0.00002.
gnomAD v4.1: 57 of 1,613,980 alleles (0.0035%); highest among the groups gnomAD compares: Non-Finnish European, 0.0042%; no homozygotes.

Submissions (3):

Ambry Genetics
Classification: Uncertain significance. Last evaluated: 2025-10-11. Review status: criteria provided, single submitter. Criteria: Ambry Variant Classification Scheme 2023. Collection method: clinical testing. Allele origin: germline.
Comment: The p.F642S variant (also known as c.1925T>C), located in coding exon 1 of the MLH3 gene, results from a T to C substitution at nucleotide position 1925. The phenylalanine at codon 642 is replaced by serine, an amino acid with highly dissimilar properties. This amino acid position is well conserved in available vertebrate species; however, serine is the reference amino acid in other vertebrate species. In addition, this alteration is predicted to be tolerated by in silico analysis. The evidence for this gene-disease relationship is limited; therefore, the clinical significance of this alteration is unclear.

Labcorp Genetics (formerly Invitae), Labcorp
Classification: Uncertain significance for Colorectal cancer, hereditary nonpolyposis, type 7. Last evaluated: 2024-04-16. Review status: criteria provided, single submitter. Criteria: Invitae Variant Classification Sherloc (09022015). Collection method: clinical testing. Allele origin: germline.
Comment: This sequence change replaces phenylalanine, which is neutral and non-polar, with serine, which is neutral and polar, at codon 642 of the MLH3 protein (p.Phe642Ser). This variant is present in population databases (rs777245092, gnomAD 0.005%). This variant has not been reported in the literature in individuals affected with MLH3-related conditions. ClinVar contains an entry for this variant (Variation ID: 410894). An algorithm developed to predict the effect of missense changes on protein structure and function (PolyPhen-2) suggests that this variant is likely to be tolerated. In summary, the available evidence is currently insufficient to determine the role of this variant in disease. Therefore, it has been classified as a Variant of Uncertain Significance.

Laboratorio de Genetica e Diagnostico Molecular, Hospital Israelita Albert Einstein
Classification: Uncertain significance for Colorectal cancer, hereditary nonpolyposis, type 7. Last evaluated: 2022-08-12. Review status: criteria provided, single submitter. Criteria: ACMG Guidelines, 2015. Collection method: clinical testing. Allele origin: germline. Affected: yes.
Comment: ACMG classification criteria: PM2 moderated, BP4 supporting